The following is an entry in ClinVar:

NM_016239.4(MYO15A):c.3658G>A (p.Gly1220Arg)

Gene: MYO15A (myosin XVA; plus strand). Cytogenetic location: 17p11.2.
Variant type: single nucleotide variant.
Coding change: c.3658G>A on transcript NM_016239.4 (MANE Select); coding-DNA position 3658, G replaced by A.
Protein change: p.Gly1220Arg; replaces glycine 1220 with arginine.
Molecular consequence: missense variant.
Genome position (GRCh38, 1-based): chr17:18,124,531, G>A. VCF-style: chr17-18124531-G-A. GRCh37 (hg19) VCF-style: chr17-18027845-G-A.
Other names: short protein forms G1220R.
Identifiers: ClinVar variation 164513 (VCV000164513.20), dbSNP rs146754758, ClinGen allele CA177215.

ClinVar aggregate classification (germline): Conflicting classifications of pathogenicity. Review status: criteria provided, conflicting classifications (1 of 4 stars). 6 submissions from 6 submitters: Uncertain significance (1); Benign (4); Likely benign (1). Last evaluated 2026-01-28.

Conditions:
Autosomal recessive nonsyndromic hearing loss 3. Also called: NEUROSENSORY NONSYNDROMIC RECESSIVE DEAFNESS 3. Identifiers: Orphanet 90636, MedGen C1838263, MONDO:0010860, OMIM 600316.

Allele frequency attached by ClinVar (database versions not stated): TOPMed 0.00299; 1000 Genomes Project 30x 0.00562; 1000 Genomes Project 0.00579.
gnomAD v4.1: 1,378 of 1,613,198 alleles (0.085%); highest among the groups gnomAD compares: East Asian, 2.4%; 19 homozygotes.

Submissions (6):

Labcorp Genetics (formerly Invitae), Labcorp
Classification: Benign. Last evaluated: 2026-01-28. Review status: criteria provided, single submitter. Criteria: Invitae Variant Classification Sherloc (09022015). Collection method: clinical testing. Allele origin: germline.

GeneDx
Classification: Benign. Last evaluated: 2019-12-02. Review status: criteria provided, single submitter. Criteria: GeneDx Variant Classification Process June 2021. Collection method: clinical testing. Allele origin: germline. Affected: yes.
Comment: This variant is associated with the following publications: (PMID: 23865914)

Illumina Laboratory Services, Illumina
Classification: Uncertain significance for Autosomal recessive nonsyndromic hearing loss 3. Last evaluated: 2018-01-13. Review status: criteria provided, single submitter. Criteria: ICSL Variant Classification Criteria 13 December 2019. Collection method: clinical testing. Allele origin: germline.

Laboratory for Molecular Medicine, Mass General Brigham Personalized Medicine
Classification: Benign. Last evaluated: 2013-05-06. Review status: criteria provided, single submitter. Criteria: LMM Criteria. Collection method: clinical testing. Allele origin: germline. Observed: 5 variant alleles.
Comment: Gly1220Arg in exon 3 of MYO15A: This variant is not expected to have clinical si gnificance because it has been identified in 1% (22/2178) of chromosomes by the 1000 Genomes Project (dbSNP rs146754758) and most mammals, including other prima tes, carry an arginine (Arg) at this position.

Molecular Diagnosis Center for Deafness
Classification: Benign for Autosomal recessive nonsyndromic hearing loss 3. Review status: criteria provided, single submitter. Criteria: ClinGen HL ACMG Specifications v1. Collection method: case-control. Allele origin: paternal.

PreventionGenetics, part of Exact Sciences
Classification: Likely benign. Review status: criteria provided, single submitter. Criteria: ACMG Guidelines, 2015. Collection method: clinical testing. Allele origin: germline.